The following is an entry in ClinVar:

ClinVar aggregate classification (germline): Conflicting classifications of pathogenicity. Review status: criteria provided, conflicting classifications (1 of 4 stars). 8 submissions from 7 submitters: Uncertain significance (5); Likely benign (3). Last evaluated 2026-09-01.

Conditions:
Inborn genetic diseases. Identifiers: MedGen C0950123, MeSH D030342.
Autosomal recessive nonsyndromic hearing loss 12. Also called: DEAFNESS, AUTOSOMAL RECESSIVE 12. Identifiers: Orphanet 90636, MedGen C1832394, MONDO:0011067, OMIM 601386.
Usher syndrome type 1D (USH1D). Also called: USHER SYNDROME, TYPE ID. Identifiers: Orphanet 231169, Orphanet 886, MedGen C1832845, MONDO:0010984, OMIM 601067.

Allele frequency attached by ClinVar (database versions not stated): gnomAD exomes 0.00013 and 0.00019; gnomAD 0.00027 and 0.00025; TOPMed 0.00009; ExAC 0.00023; ESP Exome Variant Server 0.00024.
gnomAD v4.1: 219 of 1,613,542 alleles (0.014%); highest among the groups gnomAD compares: Non-Finnish European, 0.014%; no homozygotes.

Submissions (8):

CeGaT Center for Human Genetics Tuebingen
Classification: Likely benign. Last evaluated: 2026-09-01. Review status: criteria provided, single submitter. Criteria: CeGaT Center For Human Genetics Tuebingen Variant Classification Criteria Version 2. Collection method: clinical testing. Allele origin: germline. Affected: yes. Observed: 1 variant allele.
Comment: CDH23: BP4

Labcorp Genetics (formerly Invitae), Labcorp
Classification: Likely benign. Last evaluated: 2026-01-25. Review status: criteria provided, single submitter. Criteria: Invitae Variant Classification Sherloc (09022015). Collection method: clinical testing. Allele origin: germline.

GeneDx
Classification: Uncertain significance. Last evaluated: 2025-06-05. Review status: criteria provided, single submitter. Criteria: GeneDx Variant Classification Process June 2021. Collection method: clinical testing. Allele origin: germline. Affected: yes.
Comment: In silico analysis supports that this missense variant has a deleterious effect on protein structure/function; Has not been previously published as pathogenic or benign to our knowledge

Blueprint Genetics
Classification: Likely benign. Last evaluated: 2024-10-02. Review status: criteria provided, single submitter. Criteria: ACMG Guidelines, 2015. Collection method: clinical testing. Allele origin: germline.

Ambry Genetics
Classification: Uncertain significance for Inborn genetic diseases. Last evaluated: 2023-07-29. Review status: criteria provided, single submitter. Criteria: Ambry Variant Classification Scheme 2023. Collection method: clinical testing. Allele origin: germline.

Illumina Laboratory Services, Illumina
Classification: Uncertain significance for Usher syndrome type 1D. Last evaluated: 2018-01-13. Review status: criteria provided, single submitter. Criteria: ICSL Variant Classification Criteria 13 December 2019. Collection method: clinical testing. Allele origin: germline.

Illumina Laboratory Services, Illumina
Classification: Uncertain significance for Autosomal recessive nonsyndromic hearing loss 12. Last evaluated: 2018-01-13. Review status: criteria provided, single submitter. Criteria: ICSL Variant Classification Criteria 13 December 2019. Collection method: clinical testing. Allele origin: germline.

Eurofins Ntd Llc (ga)
Classification: Uncertain significance. Last evaluated: 2014-04-28. Review status: criteria provided, single submitter. Criteria: EGL Classification Definitions 2015. Collection method: clinical testing. Allele origin: germline. Observed: 1 variant allele, 1 heterozygote.

NM_022124.6(CDH23):c.3301A>G (p.Ile1101Val)

Genes: C10orf105 (chromosome 10 open reading frame 105; minus strand), CDH23 (cadherin related 23; plus strand). Cytogenetic location: 10q22.1.
Variant type: single nucleotide variant.
Coding change: c.3301A>G on transcript NM_022124.6 (MANE Select); coding-DNA position 3301, A replaced by G.
Protein change: p.Ile1101Val; replaces isoleucine 1101 with valine.
Molecular consequence: missense variant. On other transcripts: 3 prime UTR variant (2).
Genome position (GRCh38, 1-based): chr10:71,712,745, A>G. VCF-style: chr10-71712745-A-G. GRCh37 (hg19) VCF-style: chr10-73472502-A-G.
Other names: c.*3191T>C (NM_001164375.3, NM_001168390.2); c.3301A>G, p.Ile1101Val (NM_001171930.2); short protein forms I1101V.
Identifiers: ClinVar variation 166812 (VCV000166812.22), dbSNP rs199510686, ClinGen allele CA233645.
Genomic context (GRCh38, chr10:71,712,745, plus strand): 5'-CGACACACGGGCACAGCCACCGTGTTCGTCACTGTCCTGGATGTGAATGACAACCGGCCC[A>G]TCTTTCTGCAGAGCAGCTATGAGGCCAGCGTCCCTGAGGACATCCCTGAAGGCCACAGCA-3'
Protein context (NP_071407.4, residues 1091-1111): TVLDVNDNRP[Ile1101Val]FLQSSYEASV